The following is an entry in ClinVar:

ClinVar aggregate classification (germline): Pathogenic. Review status: criteria provided, single submitter (1 of 4 stars). 2 submissions from 2 submitters: Pathogenic (1). 1 of the submissions does not count toward it. Last evaluated 2026-02-01.

Conditions:
Osteogenesis imperfecta with normal sclerae, dominant form (OI4). Also called: OSTEOGENESIS IMPERFECTA, TYPE IV, WITH DENTINOGENESIS IMPERFECTA; OSTEOGENESIS IMPERFECTA WITH NORMAL SCLERAE; Osteogenesis imperfecta type 4; Osteogenesis Imperfecta Type IV; Common Variable Osteogenesis Imperfecta with Normal Sclerae. Identifiers: Orphanet 216820, Orphanet 666, MedGen C0268363, MONDO:0008148, OMIM 166220.
Ehlers-Danlos syndrome, classic type, 1 (EDSCL1). Also called: EHLERS-DANLOS SYNDROME, GRAVIS TYPE; EHLERS-DANLOS SYNDROME, SEVERE CLASSIC TYPE; Ehlers-Danlos syndrome, type 1; Ehlers-Danlos Syndrome, Classic Type, COL5A1-Related; EDS I. Identifiers: MedGen C0268335, MONDO:0019567, OMIM 130000.
Osteogenesis imperfecta type I (OI1). Also called: OI, TYPE I; OSTEOGENESIS IMPERFECTA TARDA; OSTEOGENESIS IMPERFECTA WITH BLUE SCLERAE; Osteogenesis imperfecta type 1; Lobstein's Disease; Lobstein disease. Identifiers: Orphanet 216796, Orphanet 666, MedGen C0023931, MONDO:0008146, OMIM 166200. Disease mechanism: loss of function.

Submissions (2):

Labcorp Genetics (formerly Invitae), Labcorp
Classification: Pathogenic for Osteogenesis imperfecta type I; Ehlers-Danlos syndrome, classic type, 1. Last evaluated: 2026-02-01. Review status: criteria provided, single submitter. Criteria: Invitae Variant Classification Sherloc (09022015). Collection method: clinical testing. Allele origin: germline.
Comment: This sequence change replaces glycine, which is neutral and non-polar, with cysteine, which is neutral and slightly polar, at codon 727 of the COL1A2 protein (p.Gly727Cys). This variant is not present in population databases (gnomAD no frequency). This missense change has been observed in individuals with clinical features of autosomal dominant osteogenesis imperfecta and/or idiopathic osteoporosis (PMID: 36396825; internal data). ClinVar contains an entry for this variant (Variation ID: 3366898). Invitae Evidence Modeling of protein sequence and biophysical properties (such as structural, functional, and spatial information, amino acid conservation, physicochemical variation, residue mobility, and thermodynamic stability) indicates that this missense variant is expected to disrupt COL1A2 protein function with a positive predictive value of 95%. This variant disrupts the triple helix domain of COL1A2. Glycine residues within the Gly-Xaa-Yaa repeats of the triple helix domain are required for the structure and stability of fibrillar collagens (PMID: 7695699, 8218237, 19344236). In COL1A2, variants affecting these glycine residues are significantly enriched in individuals with disease (PMID: 9016532, 17078022) compared to the general population (ExAC). For these reasons, this variant has been classified as Pathogenic.

Autoinflammatory diseases unit, CHU de Montpellier
Classification: Likely pathogenic for Osteogenesis imperfecta with normal sclerae, dominant form. Last evaluated: 2024-10-03. Review status: no assertion criteria provided. Collection method: clinical testing. Allele origin: paternal. Affected: yes. Not counted in ClinVar's aggregate classification.

Literature cited by the submitters: PubMed 36396825 (cited by Labcorp Genetics (formerly Invitae), Labcorp); PubMed 7695699 (cited by Labcorp Genetics (formerly Invitae), Labcorp); PubMed 8218237 (cited by Labcorp Genetics (formerly Invitae), Labcorp); PubMed 19344236 (cited by Labcorp Genetics (formerly Invitae), Labcorp); PubMed 9016532 (cited by Labcorp Genetics (formerly Invitae), Labcorp); PubMed 17078022 (cited by Labcorp Genetics (formerly Invitae), Labcorp).

NM_000089.4(COL1A2):c.2179G>T (p.Gly727Cys)

Gene: COL1A2 (collagen type I alpha 2 chain; plus strand). Cytogenetic location: 7q21.3.
Variant type: single nucleotide variant.
Coding change: c.2179G>T on transcript NM_000089.4 (MANE Select); coding-DNA position 2179, G replaced by T.
Protein change: p.Gly727Cys; replaces glycine 727 with cysteine.
Molecular consequence: missense variant.
Genome position (GRCh38, 1-based): chr7:94,420,436, G>T. VCF-style: chr7-94420436-G-T. GRCh37 (hg19) VCF-style: chr7-94049748-G-T.
Other names: short protein forms G727C.
Identifiers: ClinVar variation 3366898 (VCV003366898.3).